The following is an entry in ClinVar:

ClinVar aggregate classification (germline): Uncertain significance. Review status: criteria provided, multiple submitters, no conflicts (2 of 4 stars). 2 submissions from 2 submitters: Uncertain significance (2). Last evaluated 2025-03-05.

Conditions:
Hereditary cancer-predisposing syndrome. Also called: Hereditary Cancer Syndrome; Hereditary neoplastic syndrome; Neoplastic Syndromes, Hereditary; Tumor predisposition. Identifiers: Orphanet 140162, MedGen C0027672, MeSH D009386, MONDO:0015356.

gnomAD v4.1: 4 of 1,609,950 alleles (0.00025%); highest among the groups gnomAD compares: Non-Finnish European, 0.00026%; no homozygotes.

Submissions (2):

Ambry Genetics
Classification: Uncertain significance for Hereditary cancer-predisposing syndrome. Last evaluated: 2025-03-05. Review status: criteria provided, single submitter. Criteria: Ambry Variant Classification Scheme 2023. Collection method: clinical testing. Allele origin: germline.
Comment: The p.I146V variant (also known as c.436A>G), located in coding exon 4 of the EPCAM gene, results from an A to G substitution at nucleotide position 436. The isoleucine at codon 146 is replaced by valine, an amino acid with highly similar properties. This amino acid position is conserved. In addition, this alteration is predicted to be tolerated by in silico analysis. Since supporting evidence is limited at this time, the clinical significance of this alteration remains unclear.

Labcorp Genetics (formerly Invitae), Labcorp
Classification: Uncertain significance. Last evaluated: 2015-03-03. Review status: criteria provided, single submitter. Criteria: Invitae Variant Classification Sherloc (09022015). Collection method: clinical testing. Allele origin: germline.
Comment: This sequence change replaces isoleucine with valine at codon 146 of the EPCAM protein (p.Ile146Val). The isoleucine residue is highly conserved and there is a small physicochemical difference between isoleucine and valine. In summary, this is a novel missense change with uncertain impact on protein function. It has been classified as a Variant of Uncertain Significance. This variant has not been published in the literature and is not present in population databases. Algorithms developed to predict the effect of missense changes on protein structure and function do not agree on the potential impact of this missense change (SIFT: "Tolerated"; PolyPhen-2: "Possibly Damaging"; Align-GVGD: "Class C0").

NM_002354.3(EPCAM):c.436A>G (p.Ile146Val)

Gene: EPCAM (epithelial cell adhesion molecule; plus strand). Cytogenetic location: 2p21.
Variant type: single nucleotide variant.
Coding change: c.436A>G on transcript NM_002354.3 (MANE Select); coding-DNA position 436, A replaced by G.
Protein change: p.Ile146Val; replaces isoleucine 146 with valine.
Molecular consequence: missense variant.
Genome position (GRCh38, 1-based): chr2:47,375,244, A>G. VCF-style: chr2-47375244-A-G. GRCh37 (hg19) VCF-style: chr2-47602383-A-G.
Other names: short protein forms I146V.
Identifiers: ClinVar variation 216558 (VCV000216558.10), dbSNP rs751352456, ClinGen allele CA336613.